The following is an entry in ClinVar:

NM_000256.3(MYBPC3):c.3112_3113insC (p.Val1038fs)

Gene: MYBPC3 (myosin binding protein C3; minus strand). Cytogenetic location: 11p11.2.
Variant type: Insertion.
Coding change: c.3112_3113insC on transcript NM_000256.3 (MANE Select); coding-DNA positions 3112 to 3113, C inserted.
Protein change: p.Val1038fs; shifts the reading frame from valine 1038.
Molecular consequence: frameshift variant.
Genome position: GRCh38 VCF-style: chr11-47333634-A-AG. GRCh37 (hg19) VCF-style: chr11-47355185-A-AG.
Other names: short protein forms V1038fs.
Identifiers: ClinVar variation 3252627 (VCV003252627.1), dbSNP rs2495741656.
Genomic context (GRCh38, chr11:47,333,634, plus strand): 5'-AGCGTGGCCTTGTCCTCCATGTTCTCAATGCGCACCGTCACCTGGTAAGTGCCTGAATGC[A>AG]CGCGGCGAGCGGCCCGGATGAACAGGATGGTGTCTGTGGGGCTGTTGCGGATGCTCACCT-3'

ClinVar aggregate classification (germline): Pathogenic (1 of 4 stars; one submission).

Submission:

GeneDx
Classification: Pathogenic. Last evaluated: 2024-01-29. Review status: criteria provided, single submitter. Criteria: GeneDx Variant Classification Process June 2021. Collection method: clinical testing. Allele origin: germline. Affected: yes.
Comment: Reported in a patient referred for genetic testing; however, specific clinical information was not provided (PMID: 24721642); Not observed at significant frequency in large population cohorts (gnomAD); Frameshift variant predicted to result in protein truncation or nonsense mediated decay in a gene for which loss-of-function is a known mechanism of disease; This variant is associated with the following publications: (PMID: 26688388, 24721642)